The following is an entry in ClinVar:

ClinVar aggregate classification (germline): Uncertain significance (1 of 4 stars; one submission).

Conditions:
Ullrich congenital muscular dystrophy 2 (UCMD2). Identifiers: Orphanet 75840, MedGen C4225314, MONDO:0014654, OMIM 616470.
Bethlem myopathy 2 (BTHLM2). Identifiers: Orphanet 536516, Orphanet 610, MedGen C4225313, MONDO:0034022, OMIM 616471.

Allele frequency attached by ClinVar (database versions not stated): TOPMed below 0.00001; gnomAD 0.00001; gnomAD exomes 0.00001.
gnomAD v4.1: 8 of 1,613,224 alleles (0.0005%); highest among the groups gnomAD compares: Non-Finnish European, 0.00068%; no homozygotes.

Submission:

Labcorp Genetics (formerly Invitae), Labcorp
Classification: Uncertain significance for Bethlem myopathy 2; Ullrich congenital muscular dystrophy 2. Last evaluated: 2021-12-11. Review status: criteria provided, single submitter. Criteria: Invitae Variant Classification Sherloc (09022015). Collection method: clinical testing. Allele origin: germline.
Comment: This sequence change replaces aspartic acid, which is acidic and polar, with glutamic acid, which is acidic and polar, at codon 1551 of the COL12A1 protein (p.Asp1551Glu). This variant is not present in population databases (gnomAD no frequency). This variant has not been reported in the literature in individuals affected with COL12A1-related conditions. Algorithms developed to predict the effect of missense changes on protein structure and function (SIFT, PolyPhen-2, Align-GVGD) all suggest that this variant is likely to be tolerated. In summary, the available evidence is currently insufficient to determine the role of this variant in disease. Therefore, it has been classified as a Variant of Uncertain Significance.

NM_004370.6(COL12A1):c.4653C>A (p.Asp1551Glu)

Gene: COL12A1 (collagen type XII alpha 1 chain; minus strand). Cytogenetic location: 6q13.
Variant type: single nucleotide variant.
Coding change: c.4653C>A on transcript NM_004370.6 (MANE Select); coding-DNA position 4653, C replaced by A.
Protein change: p.Asp1551Glu; replaces aspartic acid 1551 with glutamic acid.
Molecular consequence: missense variant.
Genome position (GRCh38, 1-based): chr6:75,145,363, G>T on the plus strand (C>A on the coding strand, the complement: COL12A1 is on the minus strand). VCF-style: chr6-75145363-G-T. GRCh37 (hg19) VCF-style: chr6-75855079-G-T.
Other names: c.1161C>A, p.Asp387Glu (NM_080645.3); short protein forms D1551E, D387E.
Identifiers: ClinVar variation 1509728 (VCV001509728.6), dbSNP rs74383804, ClinGen allele CA364742900.